The following is an entry in ClinVar:

NM_013450.4(BAZ2B):c.194T>A (p.Val65Glu)

Gene: BAZ2B (bromodomain adjacent to zinc finger domain 2B; minus strand). Cytogenetic location: 2q24.2.
Variant type: single nucleotide variant.
Coding change: c.194T>A on transcript NM_013450.4 (MANE Select); coding-DNA position 194, T replaced by A.
Protein change: p.Val65Glu; replaces valine 65 with glutamic acid.
Molecular consequence: missense variant. On other transcripts: intron variant (1).
Genome position (GRCh38, 1-based): chr2:159,453,753, A>T on the plus strand (T>A on the coding strand, the complement: BAZ2B is on the minus strand). VCF-style: chr2-159453753-A-T. GRCh37 (hg19) VCF-style: chr2-160310264-A-T.
Other names: c.194T>A, p.Val65Glu (NM_001289975.1, NM_001329858.2); c.146-5344T>A (NM_001329857.2); short protein forms V65E.
Identifiers: ClinVar variation 5009679 (VCV005009679.1).

ClinVar aggregate classification (germline): Uncertain significance (1 of 4 stars; one submission).

Submission:

GeneDx
Classification: Uncertain significance. Last evaluated: 2026-02-18. Review status: criteria provided, single submitter. Criteria: GeneDx Variant Classification Process June 2021. Collection method: clinical testing. Allele origin: germline.
Comment: Not observed at significant frequency in large population cohorts (gnomAD); In silico analysis supports that this missense variant has a deleterious effect on protein structure/function; Has not been previously published as pathogenic or benign to our knowledge